The following is an entry in ClinVar:

NM_138694.4(PKHD1):c.8282A>T (p.Asp2761Val)

Gene: PKHD1 (PKHD1 ciliary IPT domain containing fibrocystin/polyductin; minus strand). Cytogenetic location: 6p12.2.
Variant type: single nucleotide variant.
Coding change: c.8282A>T on transcript NM_138694.4 (MANE Select); coding-DNA position 8282, A replaced by T.
Protein change: p.Asp2761Val; replaces aspartic acid 2761 with valine.
Molecular consequence: missense variant.
Genome position (GRCh38, 1-based): chr6:51,830,881, T>A on the plus strand (A>T on the coding strand, the complement: PKHD1 is on the minus strand). VCF-style: chr6-51830881-T-A. GRCh37 (hg19) VCF-style: chr6-51695679-T-A.
Other names: c.8282A>T, p.Asp2761Val (NM_170724.3); short protein forms D2761V.
Identifiers: ClinVar variation 1433854 (VCV001433854.6), dbSNP rs2151511198, ClinGen allele CA364423077.

ClinVar aggregate classification (germline): Uncertain significance (1 of 4 stars; one submission).

Conditions:
Autosomal recessive polycystic kidney disease (ARPKD). Also called: AR polycystic kidney disease. Identifiers: Orphanet 731, Orphanet 8378, MedGen C0085548, MeSH D017044, MONDO:0009889.

Submission:

Labcorp Genetics (formerly Invitae), Labcorp
Classification: Uncertain significance for Autosomal recessive polycystic kidney disease. Last evaluated: 2022-07-19. Review status: criteria provided, single submitter. Criteria: Invitae Variant Classification Sherloc (09022015). Collection method: clinical testing. Allele origin: germline.
Comment: In summary, the available evidence is currently insufficient to determine the role of this variant in disease. Therefore, it has been classified as a Variant of Uncertain Significance. Advanced modeling of protein sequence and biophysical properties (such as structural, functional, and spatial information, amino acid conservation, physicochemical variation, residue mobility, and thermodynamic stability) performed at Invitae indicates that this missense variant is expected to disrupt PKHD1 protein function. ClinVar contains an entry for this variant (Variation ID: 1433854). This variant has not been reported in the literature in individuals affected with PKHD1-related conditions. This variant is not present in population databases (gnomAD no frequency). This sequence change replaces aspartic acid, which is acidic and polar, with valine, which is neutral and non-polar, at codon 2761 of the PKHD1 protein (p.Asp2761Val).